The following is an entry in ClinVar:

ClinVar aggregate classification (germline): Uncertain significance. Review status: criteria provided, multiple submitters, no conflicts (2 of 4 stars). 2 submissions from 2 submitters: Uncertain significance (2). Last evaluated 2021-10-23.

Conditions:
Charcot-Marie-Tooth disease type 2. Also called: Charcot-Marie-Tooth type 2. Identifiers: Orphanet 64746, MedGen C0270914, MONDO:0018993.
Charcot-Marie-Tooth disease. Also called: Charcot-Marie-Tooth Neuropathy; Charcot-Marie-Tooth Hereditary Neuropathy. Identifiers: Orphanet 166, MedGen C0007959, MONDO:0015626.

Allele frequency attached by ClinVar (database versions not stated): gnomAD 0.00001.
gnomAD v4.1: 2 of 1,614,014 alleles (0.00012%); no homozygotes.

Submissions (2):

Labcorp Genetics (formerly Invitae), Labcorp
Classification: Uncertain significance for Charcot-Marie-Tooth disease type 2. Last evaluated: 2021-10-23. Review status: criteria provided, single submitter. Criteria: Invitae Variant Classification Sherloc (09022015). Collection method: clinical testing. Allele origin: germline.
Comment: ClinVar contains an entry for this variant (Variation ID: 810833). In summary, the available evidence is currently insufficient to determine the role of this variant in disease. Therefore, it has been classified as a Variant of Uncertain Significance. Algorithms developed to predict the effect of missense changes on protein structure and function are either unavailable or do not agree on the potential impact of this missense change (SIFT: "Deleterious"; PolyPhen-2: "Benign"; Align-GVGD: "Class C0"). This missense change has been observed in individual(s) with clinical features of Charcot-Marie-Tooth disease (PMID: 32376792). This variant is not present in population databases (ExAC no frequency). This sequence change replaces isoleucine with threonine at codon 463 of the AARS protein (p.Ile463Thr). The isoleucine residue is moderately conserved and there is a moderate physicochemical difference between isoleucine and threonine.

Molecular Genetics Laboratory, London Health Sciences Centre
Classification: Uncertain significance for Charcot-Marie-Tooth disease. Review status: criteria provided, single submitter. Criteria: ACMG Guidelines, 2015. Collection method: clinical testing. Allele origin: germline. Affected: yes.

Literature cited by the submitters: PubMed 32376792 (cited by Labcorp Genetics (formerly Invitae), Labcorp).

NM_001605.3(AARS1):c.1388T>C (p.Ile463Thr)

Gene: AARS1 (alanyl-tRNA synthetase 1; minus strand). Cytogenetic location: 16q22.1.
Variant type: single nucleotide variant.
Coding change: c.1388T>C on transcript NM_001605.3 (MANE Select); coding-DNA position 1388, T replaced by C.
Protein change: p.Ile463Thr; replaces isoleucine 463 with threonine.
Molecular consequence: missense variant.
Genome position (GRCh38, 1-based): chr16:70,265,062, A>G on the plus strand (T>C on the coding strand, the complement: AARS1 is on the minus strand). VCF-style: chr16-70265062-A-G. GRCh37 (hg19) VCF-style: chr16-70298965-A-G.
Other names: short protein forms I463T.
Identifiers: ClinVar variation 810833 (VCV000810833.6), dbSNP rs1597439359, ClinGen allele CA396561319.